The following is an entry in ClinVar:

ClinVar aggregate classification (germline): Conflicting classifications of pathogenicity. Review status: criteria provided, conflicting classifications (1 of 4 stars). 2 submissions from 2 submitters: Uncertain significance (1); Likely benign (1). Last evaluated 2026-01-20.

Conditions:
Familial temporal lobe epilepsy 7. Identifiers: Orphanet 101046, MedGen C4225327, MONDO:0014639, OMIM 616436.
Norman-Roberts syndrome (LIS2). Also called: Lissencephaly 2 (Norman-Roberts type). Identifiers: Orphanet 89844, MedGen C0796089, MONDO:0009760, OMIM 257320.
Inborn genetic diseases. Identifiers: MedGen C0950123, MeSH D030342.

Allele frequency attached by ClinVar (database versions not stated): gnomAD 0.00002; gnomAD exomes 0.00002; ExAC 0.00006; TOPMed 0.00001.
gnomAD v4.1: 35 of 1,613,890 alleles (0.0022%); highest among the groups gnomAD compares: South Asian, 0.026%; 1 homozygote.

Submissions (2):

Ambry Genetics
Classification: Uncertain significance for Inborn genetic diseases. Last evaluated: 2026-01-20. Review status: criteria provided, single submitter. Criteria: Ambry Variant Classification Scheme 2023. Collection method: clinical testing. Allele origin: germline.
Comment: The c.7369C>T (p.R2457C) alteration is located in exon 47 (coding exon 47) of the RELN gene. This alteration results from a C to T substitution at nucleotide position 7369, causing the arginine (R) at amino acid position 2457 to be replaced by a cysteine (C). Based on data from gnomAD, the T allele has an overall frequency of 0.003% (7/251474) total alleles studied. The highest observed frequency was 0.02% (6/30614) of South Asian alleles. Based on insufficient or conflicting evidence, the clinical significance of this alteration remains unclear.

Labcorp Genetics (formerly Invitae), Labcorp
Classification: Likely benign for Familial temporal lobe epilepsy 7; Norman-Roberts syndrome. Last evaluated: 2024-07-01. Review status: criteria provided, single submitter. Criteria: Invitae Variant Classification Sherloc (09022015). Collection method: clinical testing. Allele origin: germline.

NM_005045.4(RELN):c.7369C>T (p.Arg2457Cys)

Gene: RELN (reelin; minus strand). Cytogenetic location: 7q22.1.
Variant type: single nucleotide variant.
Coding change: c.7369C>T on transcript NM_005045.4 (MANE Select); coding-DNA position 7369, C replaced by T.
Protein change: p.Arg2457Cys; replaces arginine 2457 with cysteine.
Molecular consequence: missense variant.
Genome position (GRCh38, 1-based): chr7:103,523,512, G>A on the plus strand (C>T on the coding strand, the complement: RELN is on the minus strand). VCF-style: chr7-103523512-G-A. GRCh37 (hg19) VCF-style: chr7-103163959-G-A.
Other names: c.7369C>T, p.Arg2457Cys (NM_173054.3); short protein forms R2457C.
Identifiers: ClinVar variation 2294594 (VCV002294594.5), dbSNP rs750386872, ClinGen allele CA4420746.